The following is an entry in ClinVar:

ClinVar aggregate classification (germline): Uncertain significance. Review status: criteria provided, multiple submitters, no conflicts (2 of 4 stars). 3 submissions from 3 submitters: Uncertain significance (3). Last evaluated 2025-10-02.

Conditions:
Cardiovascular phenotype. Identifiers: MedGen CN230736.
Brugada syndrome. Also called: Sudden unexpected nocturnal death syndrome; Sudden unexplained nocturnal death syndrome; Sudden Unexplained Death Syndrome; Sudden Unexplained Nocturnal Death Syndrome (SUNDS). Identifiers: Orphanet 130, MedGen C1142166, MONDO:0015263.

Allele frequency attached by ClinVar (database versions not stated): ExAC 0.00001.
gnomAD v4.1: 3 of 1,614,136 alleles (0.00019%); highest among the groups gnomAD compares: Non-Finnish European, 0.00025%; no homozygotes.

Submissions (3):

Labcorp Genetics (formerly Invitae), Labcorp
Classification: Uncertain significance for Brugada syndrome. Last evaluated: 2025-10-02. Review status: criteria provided, single submitter. Criteria: Invitae Variant Classification Sherloc (09022015). Collection method: clinical testing. Allele origin: germline.
Comment: This sequence change replaces cysteine, which is neutral and slightly polar, with glycine, which is neutral and non-polar, at codon 310 of the SCN10A protein (p.Cys310Gly). This variant is present in population databases (rs745457404, gnomAD 0.002%). This variant has not been reported in the literature in individuals affected with SCN10A-related conditions. ClinVar contains an entry for this variant (Variation ID: 2625778). Invitae Evidence Modeling of protein sequence and biophysical properties (such as structural, functional, and spatial information, amino acid conservation, physicochemical variation, residue mobility, and thermodynamic stability) indicates that this missense variant is expected to disrupt SCN10A protein function with a positive predictive value of 80%. In summary, the available evidence is currently insufficient to determine the role of this variant in disease. Therefore, it has been classified as a Variant of Uncertain Significance.

CeGaT Center for Human Genetics Tuebingen
Classification: Uncertain significance. Last evaluated: 2023-12-01. Review status: criteria provided, single submitter. Criteria: CeGaT Center For Human Genetics Tuebingen Variant Classification Criteria Version 2. Collection method: clinical testing. Allele origin: germline. Affected: yes. Observed: 1 variant allele.
Comment: SCN10A: PM2

Ambry Genetics
Classification: Uncertain significance for Cardiovascular phenotype. Last evaluated: 2023-09-10. Review status: criteria provided, single submitter. Criteria: Ambry Variant Classification Scheme 2023. Collection method: clinical testing. Allele origin: germline.
Comment: The p.C310G variant (also known as c.928T>G), located in coding exon 7 of the SCN10A gene, results from a T to G substitution at nucleotide position 928. The cysteine at codon 310 is replaced by glycine, an amino acid with highly dissimilar properties. This amino acid position is conserved. In addition, this alteration is predicted to be deleterious by in silico analysis. Since supporting evidence is limited at this time, the clinical significance of this alteration remains unclear.

NM_006514.4(SCN10A):c.928T>G (p.Cys310Gly)

Gene: SCN10A (sodium voltage-gated channel alpha subunit 10; minus strand). Cytogenetic location: 3p22.2.
Variant type: single nucleotide variant.
Coding change: c.928T>G on transcript NM_006514.4 (MANE Select); coding-DNA position 928, T replaced by G.
Protein change: p.Cys310Gly; replaces cysteine 310 with glycine.
Molecular consequence: missense variant.
Genome position (GRCh38, 1-based): chr3:38,760,703, A>C on the plus strand (T>G on the coding strand, the complement: SCN10A is on the minus strand). VCF-style: chr3-38760703-A-C. GRCh37 (hg19) VCF-style: chr3-38802194-A-C.
Other names: c.928T>G, p.Cys310Gly (NM_001293306.2, NM_001293307.2); short protein forms C310G.
Identifiers: ClinVar variation 2625778 (VCV002625778.25), dbSNP rs745457404, ClinGen allele CA2321023.